The following is an entry in ClinVar:

NM_032383.5(HPS3):c.2389G>T (p.Glu797Ter)

Genes: CP (ceruloplasmin; minus strand), HPS3 (HPS3 biogenesis of lysosomal organelles complex 2 subunit 1; plus strand). Cytogenetic location: 3q24.
Variant type: single nucleotide variant.
Coding change: c.2389G>T on transcript NM_032383.5 (MANE Select); coding-DNA position 2389, G replaced by T.
Protein change: p.Glu797Ter; replaces glutamic acid 797 with a stop codon.
Molecular consequence: nonsense. On other transcripts: non-coding transcript variant (1).
Genome position (GRCh38, 1-based): chr3:149,162,786, G>T. VCF-style: chr3-149162786-G-T. GRCh37 (hg19) VCF-style: chr3-148880573-G-T.
Other names: c.1894G>T, p.Glu632Ter (NM_001308258.2); short protein forms E632*, E797*.
Identifiers: ClinVar variation 5010401 (VCV005010401.1).

ClinVar aggregate classification (germline): Pathogenic (1 of 4 stars; one submission).

Conditions:
Hermansky-Pudlak syndrome 3 (HPS3). Identifiers: Orphanet 231512, Orphanet 79430, MedGen C3888001, MONDO:0013555, OMIM 614072.

Submission:

Myriad Genetics, Inc.
Classification: Pathogenic for Hermansky-Pudlak syndrome 3. Last evaluated: 2024-05-14. Review status: criteria provided, single submitter. Criteria: Myriad Autosomal Dominant, Autosomal Recessive and X-Linked Classification Criteria (2023). Collection method: clinical testing. Allele origin: unknown.
Comment: NM_032383.3(HPS3):c.2389G>T(E797*) is expected to be pathogenic in the context of Hermansky-Pudlak syndrome, HPS3-related. This variant is predicted to lead to an abnormal or absent protein product due to the creation of a premature termination codon in HPS3, a gene where loss-of-function variants are known to be pathogenic. Please note: this variant was assessed in the context of healthy population screening.